The following is an entry in ClinVar:

NM_032119.4(ADGRV1):c.10927A>G (p.Thr3643Ala)

Gene: ADGRV1 (adhesion G protein-coupled receptor V1; plus strand). Cytogenetic location: 5q14.3.
Variant type: single nucleotide variant.
Coding change: c.10927A>G on transcript NM_032119.4 (MANE Select); coding-DNA position 10927, A replaced by G.
Protein change: p.Thr3643Ala; replaces threonine 3643 with alanine.
Molecular consequence: missense variant. On other transcripts: non-coding transcript variant (1).
Genome position (GRCh38, 1-based): chr5:90,745,748, A>G. VCF-style: chr5-90745748-A-G. GRCh37 (hg19) VCF-style: chr5-90041565-A-G.
Other names: short protein forms T3643A.
Identifiers: ClinVar variation 3667653 (VCV003667653.2).

ClinVar aggregate classification (germline): Uncertain significance (1 of 4 stars; one submission).

gnomAD v4.1: 14 of 1,612,238 alleles (0.00087%); highest among the groups gnomAD compares: Non-Finnish European, 0.0011%; no homozygotes.

Submission:

Labcorp Genetics (formerly Invitae), Labcorp
Classification: Uncertain significance. Last evaluated: 2024-05-24. Review status: criteria provided, single submitter. Criteria: Invitae Variant Classification Sherloc (09022015). Collection method: clinical testing. Allele origin: germline.
Comment: This sequence change replaces threonine, which is neutral and polar, with alanine, which is neutral and non-polar, at codon 3643 of the ADGRV1 protein (p.Thr3643Ala). This variant is present in population databases (rs778499194, gnomAD 0.002%). This missense change has been observed in individual(s) with clinical features of ADGRV1-related conditions (PMID: 22135276). Advanced modeling of protein sequence and biophysical properties (such as structural, functional, and spatial information, amino acid conservation, physicochemical variation, residue mobility, and thermodynamic stability) performed at Invitae indicates that this missense variant is not expected to disrupt ADGRV1 protein function with a negative predictive value of 95%. In summary, the available evidence is currently insufficient to determine the role of this variant in disease. Therefore, it has been classified as a Variant of Uncertain Significance.

Literature cited by the submitters: PubMed 22135276.